The following is an entry in ClinVar:

NM_000891.3(KCNJ2):c.566G>C (p.Arg189Thr)

Gene: KCNJ2 (potassium inwardly rectifying channel subfamily J member 2; plus strand). Cytogenetic location: 17q24.3.
Variant type: single nucleotide variant.
Coding change: c.566G>C on transcript NM_000891.3 (MANE Select); coding-DNA position 566, G replaced by C.
Protein change: p.Arg189Thr; replaces arginine 189 with threonine.
Molecular consequence: missense variant.
Genome position (GRCh38, 1-based): chr17:70,175,605, G>C. VCF-style: chr17-70175605-G-C. GRCh37 (hg19) VCF-style: chr17-68171746-G-C.
Other names: short protein forms R189T.
Identifiers: ClinVar variation 660794 (VCV000660794.8), dbSNP rs199473381, ClinGen allele CA400861034.

ClinVar aggregate classification (germline): Uncertain significance (1 of 4 stars; one submission).

Conditions:
Andersen Tawil syndrome (LQT7). Also called: ANDERSEN CARDIODYSRHYTHMIC PERIODIC PARALYSIS; PERIODIC PARALYSIS, POTASSIUM-SENSITIVE CARDIODYSRHYTHMIC TYPE; LONG QT SYNDROME 7; Potassium-sensitive periodic paralysis, ventricular ectopy, and dysmorphic features; Andersen Syndrome. Identifiers: Orphanet 37553, MedGen C1563715, MONDO:0008222, OMIM 170390.
Short QT syndrome type 3. Identifiers: Orphanet 51083, MedGen C1865018, MONDO:0012314, OMIM 609622.

Submission:

Labcorp Genetics (formerly Invitae), Labcorp
Classification: Uncertain significance for Short QT syndrome type 3; Andersen Tawil syndrome. Last evaluated: 2018-12-21. Review status: criteria provided, single submitter. Criteria: Invitae Variant Classification Sherloc (09022015). Collection method: clinical testing. Allele origin: germline.
Comment: This variant has not been reported in the literature in individuals with KCNJ2-related conditions. This variant is not present in population databases (ExAC no frequency). This sequence change replaces arginine with threonine at codon 189 of the KCNJ2 protein (p.Arg189Thr). The arginine residue is highly conserved and there is a moderate physicochemical difference between arginine and threonine. Algorithms developed to predict the effect of missense changes on protein structure and function (SIFT, PolyPhen-2, Align-GVGD) all suggest that this variant is likely to be disruptive, but these predictions have not been confirmed by published functional studies and their clinical significance is uncertain. In summary, the available evidence is currently insufficient to determine the role of this variant in disease. Therefore, it has been classified as a Variant of Uncertain Significance. This variant disrupts the p.Arg189 amino acid residue in KCNJ2. Other variant(s) that disrupt this residue have been observed in individuals with KCNJ2-related conditions (PMID:27145478, 12796536), which suggests that this may be a clinically significant amino acid residue.

Literature cited by the submitters: PubMed 27145478; PubMed 12796536.